The following is an entry in ClinVar:

ClinVar aggregate classification (germline): Uncertain significance. Review status: criteria provided, multiple submitters, no conflicts (2 of 4 stars). 2 submissions from 2 submitters: Uncertain significance (2). Last evaluated 2025-10-13.

Conditions:
Multiple endocrine neoplasia, type 2 (MEN2). Identifiers: Orphanet 653, MedGen C4048306, MONDO:0019003. Disease mechanism: gain of function.

Submissions (2):

Labcorp Genetics (formerly Invitae), Labcorp
Classification: Uncertain significance for Multiple endocrine neoplasia, type 2. Last evaluated: 2025-10-13. Review status: criteria provided, single submitter. Criteria: Invitae Variant Classification Sherloc (09022015). Collection method: clinical testing. Allele origin: germline.
Comment: This sequence change replaces threonine, which is neutral and polar, with arginine, which is basic and polar, at codon 75 of the RET protein (p.Thr75Arg). This variant is not present in population databases (gnomAD no frequency). This variant has not been reported in the literature in individuals affected with RET-related conditions. ClinVar contains an entry for this variant (Variation ID: 3387583). An algorithm developed to predict the effect of missense changes on protein structure and function (PolyPhen-2) suggests that this variant is likely to be tolerated. In summary, the available evidence is currently insufficient to determine the role of this variant in disease. Therefore, it has been classified as a Variant of Uncertain Significance.

All of Us Research Program, National Institutes of Health
Classification: Uncertain significance for Multiple endocrine neoplasia, type 2. Last evaluated: 2024-07-20. Review status: criteria provided, single submitter. Criteria: ACMG Guidelines, 2015. Collection method: clinical testing. Allele origin: germline. Inheritance: Autosomal dominant inheritance. Observed: 1 variant allele, 1 heterozygote.
Comment: This missense variant replaces threonine with arginine at codon 75 of the RET protein. Computational prediction suggests that this variant may not impact protein structure and function. To our knowledge, functional studies have not been reported for this variant. This variant has not been reported in individuals affected with RET-related disorders in the literature. This variant has not been identified in the general population by the Genome Aggregation Database (gnomAD). The available evidence is insufficient to determine the role of this variant in disease conclusively. Therefore, this variant is classified as a Variant of Uncertain Significance.

This study involves interpretation of variants in research participants for the purpose of population health screening. Participant phenotype was not available at the time of variant classification. Additional details can be found in publication PMID: 35346344, PMCID: PMC8962531

NM_020975.6(RET):c.224C>G (p.Thr75Arg)

Gene: RET (ret proto-oncogene; plus strand). Cytogenetic location: 10q11.21.
Variant type: single nucleotide variant.
Coding change: c.224C>G on transcript NM_020975.6 (MANE Select); coding-DNA position 224, C replaced by G.
Protein change: p.Thr75Arg; replaces threonine 75 with arginine.
Molecular consequence: missense variant. On other transcripts: intron variant (4).
Genome position (GRCh38, 1-based): chr10:43,100,609, C>G. VCF-style: chr10-43100609-C-G. GRCh37 (hg19) VCF-style: chr10-43596057-C-G.
Other names: c.224C>G, p.Thr75Arg (NM_001406743.1, NM_001406744.1, NM_001406759.1 and 32 more transcripts); c.74-8422C>G (NM_001406784.1); c.74-11490C>G (NM_001406794.1, NM_001406792.1, NM_001406793.1); short protein forms T75R.
Identifiers: ClinVar variation 3387583 (VCV003387583.2).